The following is an entry in ClinVar:

ClinVar aggregate classification (germline): Likely pathogenic (1 of 4 stars; one submission).

Conditions:
Primary hyperoxaluria, type I (HP1). Also called: OXALOSIS I; Primary hyperoxaluria type 1; GLYCOLIC ACIDURIA; HEPATIC AGT DEFICIENCY. Identifiers: Orphanet 416, Orphanet 93598, MedGen C0268164, MONDO:0009823, OMIM 259900. Disease mechanism: loss of function.

Submission:

Myriad Genetics, Inc.
Classification: Likely pathogenic for Primary hyperoxaluria, type I. Last evaluated: 2021-12-12. Review status: criteria provided, single submitter. Criteria: Myriad Women's Health Autosomal Recessive and X-Linked Classification Criteria (2021). Collection method: clinical testing. Allele origin: unknown.
Comment: NM_000030.2(AGXT):c.259delG(E87Rfs*33) is expected to be pathogenic in the context of primary hyperoxaluria type 1. This variant is predicted to lead to an abnormal or absent protein product due to the creation of a premature termination codon in AGXT, a gene where loss-of-function variants are known to be pathogenic. Please note: this variant was assessed in the context of healthy population screening.

NM_000030.3(AGXT):c.259del (p.Glu87fs)

Gene: AGXT (alanine--glyoxylate aminotransferase; plus strand). Cytogenetic location: 2q37.3.
Variant type: Deletion.
Coding change: c.259del on transcript NM_000030.3 (MANE Select); coding-DNA position 259, one base deleted (G; older notation c.259delG).
Protein change: p.Glu87fs; shifts the reading frame from glutamic acid 87.
Molecular consequence: frameshift variant.
Genome position (GRCh38, 1-based): chr2:240,869,263, G deleted; the last of 2 consecutive G bases (chr2:240,869,262-240,869,263); deleting either gives the same sequence. VCF-style (leftmost placement, unchanged base first): chr2-240869261-TG-T. GRCh37 (hg19) VCF-style: chr2-241808678-TG-T.
Other names: short protein forms E87fs.
Identifiers: ClinVar variation 1726291 (VCV001726291.2), dbSNP rs2528740212, ClinGen allele CA2580068025.
Genomic context (GRCh38, chr2:240,869,261, plus strand): 5'-ACGTGTTCCAGACCAGGAACCCACTCACACTGGTCATCTCTGGCTCGGGACACTGTGCCC[TG>T]GAGGCCGCCCTGGTCAATGTGCTGGAGCCTGGGGACTCCTTCCTGGTTGGGGCCAATGGC-3'